The following is an entry in ClinVar:

ClinVar aggregate classification (germline): Likely benign (0 of 4 stars; one submission).

Conditions:
LPP-related disorder. Also called: LPP-related condition.

gnomAD v4.1: 178 of 1,599,986 alleles (0.011%); highest among the groups gnomAD compares: African/African-American, 0.2%; no homozygotes.

Submission:

PreventionGenetics, part of Exact Sciences
Classification: Likely benign for LPP-related condition. Last evaluated: 2024-08-05. Review status: no assertion criteria provided. Collection method: clinical testing. Allele origin: germline.
Comment: This variant is classified as likely benign based on ACMG/AMP sequence variant interpretation guidelines (Richards et al. 2015 PMID: 25741868, with internal and published modifications).

NM_001375462.1(LPP):c.435C>T (p.Ser145=)

Gene: LPP (LIM domain containing preferred translocation partner in lipoma; plus strand). Cytogenetic location: 3q28.
Variant type: single nucleotide variant.
Coding change: c.435C>T on transcript NM_001375462.1 (MANE Select); coding-DNA position 435, C replaced by T.
Protein change: p.Ser145=; no amino-acid change (serine 145 retained).
Molecular consequence: synonymous variant. On other transcripts: 5 prime UTR variant (2), non-coding transcript variant (1).
Genome position (GRCh38, 1-based): chr3:188,609,166, C>T. VCF-style: chr3-188609166-C-T. GRCh37 (hg19) VCF-style: chr3-188326954-C-T.
Other names: c.435C>T, p.Ser145= (NM_001167671.3, NM_001167672.3, NM_001375455.1 and 29 more transcripts); c.-55C>T (NM_001387675.1, NM_001387676.1).
Identifiers: ClinVar variation 3352448 (VCV003352448.1).